The following is an entry in ClinVar:

ClinVar aggregate classification (germline): Uncertain significance (1 of 4 stars; one submission).

Allele frequency attached by ClinVar (database versions not stated): gnomAD exomes below 0.00001; gnomAD 0.00001; TOPMed 0.00002.
gnomAD v4.1: 3 of 1,613,988 alleles (0.00019%); highest among the groups gnomAD compares: African/African-American, 0.0027%; no homozygotes.

Submission:

Labcorp Genetics (formerly Invitae), Labcorp
Classification: Uncertain significance. Last evaluated: 2022-03-11. Review status: criteria provided, single submitter. Criteria: Invitae Variant Classification Sherloc (09022015). Collection method: clinical testing. Allele origin: germline.
Comment: In summary, the available evidence is currently insufficient to determine the role of this variant in disease. Therefore, it has been classified as a Variant of Uncertain Significance. Algorithms developed to predict the effect of missense changes on protein structure and function are either unavailable or do not agree on the potential impact of this missense change (SIFT: "Deleterious"; PolyPhen-2: "Benign"; Align-GVGD: "Class C0"). This variant has not been reported in the literature in individuals affected with HK1-related conditions. This variant is not present in population databases (gnomAD no frequency). This sequence change replaces alanine, which is neutral and non-polar, with threonine, which is neutral and polar, at codon 625 of the HK1 protein (p.Ala625Thr).

NM_000188.3(HK1):c.1873G>A (p.Ala625Thr)

Gene: HK1 (hexokinase 1; plus strand). Cytogenetic location: 10q22.1.
Variant type: single nucleotide variant.
Coding change: c.1873G>A on transcript NM_000188.3 (MANE Select); coding-DNA position 1873, G replaced by A.
Protein change: p.Ala625Thr; replaces alanine 625 with threonine.
Molecular consequence: missense variant.
Genome position (GRCh38, 1-based): chr10:69,386,356, G>A. VCF-style: chr10-69386356-G-A. GRCh37 (hg19) VCF-style: chr10-71146112-G-A.
Other names: c.1885G>A, p.Ala629Thr (NM_001322364.2, NM_001358263.1, NM_033497.3 and 1 more transcripts); c.1978G>A, p.Ala660Thr (NM_001322365.2); c.1789G>A, p.Ala597Thr (NM_001322366.1); c.1777G>A, p.Ala593Thr (NM_001322367.1); c.1870G>A, p.Ala624Thr (NM_033496.3); c.1837G>A, p.Ala613Thr (NM_033500.2); short protein forms A624T, A625T, A613T, A660T, A629T, A593T, A597T.
Identifiers: ClinVar variation 1951883 (VCV001951883.5), dbSNP rs1841135732, ClinGen allele CA376912957.